The following is an entry in ClinVar:

NM_020791.4(TAOK1):c.1101T>A (p.Ser367Arg)

Gene: TAOK1 (TAO kinase 1; plus strand). Cytogenetic location: 17q11.2.
Variant type: single nucleotide variant.
Coding change: c.1101T>A on transcript NM_020791.4 (MANE Select); coding-DNA position 1101, T replaced by A.
Protein change: p.Ser367Arg; replaces serine 367 with arginine.
Molecular consequence: missense variant.
Genome position (GRCh38, 1-based): chr17:29,498,419, T>A. VCF-style: chr17-29498419-T-A. GRCh37 (hg19) VCF-style: chr17-27825437-T-A.
Other names: c.1101T>A, p.Ser367Arg (NM_025142.1); short protein forms S367R.
Identifiers: ClinVar variation 2503239 (VCV002503239.1), dbSNP rs2508247153, ClinGen allele CA399195039.

ClinVar aggregate classification (germline): Uncertain significance (1 of 4 stars; one submission).

Submission:

GeneDx
Classification: Uncertain significance. Last evaluated: 2022-11-25. Review status: criteria provided, single submitter. Criteria: GeneDx Variant Classification Process June 2021. Collection method: clinical testing. Allele origin: germline. Affected: yes.
Comment: Not observed at significant frequency in large population cohorts (gnomAD); In silico analysis supports that this missense variant has a deleterious effect on protein structure/function; Has not been previously published as pathogenic or benign to our knowledge